The following is an entry in ClinVar:

ClinVar aggregate classification (germline): Pathogenic (1 of 4 stars; one submission).

Submission:

Labcorp Genetics (formerly Invitae), Labcorp
Classification: Pathogenic. Last evaluated: 2022-10-24. Review status: criteria provided, single submitter. Criteria: Invitae Variant Classification Sherloc (09022015). Collection method: clinical testing. Allele origin: germline.
Comment: For these reasons, this variant has been classified as Pathogenic. This sequence change creates a premature translational stop signal (p.Val24Tyrfs*34) in the XPA gene. It is expected to result in an absent or disrupted protein product. Loss-of-function variants in XPA are known to be pathogenic (PMID: 27607234). This variant is not present in population databases (gnomAD no frequency). This variant has not been reported in the literature in individuals affected with XPA-related conditions. Algorithms developed to predict the effect of sequence changes on RNA splicing suggest that this variant may disrupt the consensus splice site.

Literature cited by the submitters: PubMed 27607234.

NM_000380.4(XPA):c.70_80del (p.Val24fs)

Gene: XPA (XPA, DNA damage recognition and repair factor; minus strand). Cytogenetic location: 9q22.33.
Variant type: Deletion.
Coding change: c.70_80del on transcript NM_000380.4 (MANE Select); coding-DNA positions 70 to 80, 11 bases deleted (GTGCGGGCGAG).
Protein change: p.Val24fs; shifts the reading frame from valine 24.
Molecular consequence: frameshift variant. On other transcripts: 5 prime UTR variant (1), non-coding transcript variant (5).
Genome position (GRCh38, 1-based): chr9:97,697,213-97,697,223, CTCGCCCGCAC deleted on the plus strand (GTGCGGGCGAG on the coding strand, the reverse complement: XPA is on the minus strand); deleting any 11 consecutive bases within chr9:97,697,213-97,697,224 gives the same sequence; the c. name uses the placement nearest the transcript's 3' end. VCF-style (leftmost placement, unchanged base first): chr9-97697212-ACTCGCCCGCAC-A. GRCh37 (hg19) VCF-style: chr9-100459494-ACTCGCCCGCAC-A.
Other names: c.-1080_-1070del (NM_001354975.2); short protein forms V24fs.
Identifiers: ClinVar variation 2085090 (VCV002085090.4), dbSNP rs2490246990, ClinGen allele CA2580080762.